The following is an entry in ClinVar:

NM_005445.4(SMC3):c.125T>C (p.Phe42Ser)

Gene: SMC3 (structural maintenance of chromosomes 3; plus strand). Cytogenetic location: 10q25.2.
Variant type: single nucleotide variant.
Coding change: c.125T>C on transcript NM_005445.4 (MANE Select); coding-DNA position 125, T replaced by C.
Protein change: p.Phe42Ser; replaces phenylalanine 42 with serine.
Molecular consequence: missense variant.
Genome position (GRCh38, 1-based): chr10:110,573,740, T>C. VCF-style: chr10-110573740-T-C. GRCh37 (hg19) VCF-style: chr10-112333498-T-C.
Other names: short protein forms F42S.
Identifiers: ClinVar variation 465776 (VCV000465776.11), dbSNP rs1554881901, ClinGen allele CA378369475.

ClinVar aggregate classification (germline): Uncertain significance (1 of 4 stars; one submission).

Conditions:
Cornelia de Lange syndrome 3 (CDLS3). Also called: SMC3-Related Cornelia de Lange Syndrome; CORNELIA DE LANGE SYNDROME 3 WITH OR WITHOUT MIDLINE BRAIN DEFECTS. Identifiers: Orphanet 199, MedGen C1853099, MONDO:0012555, OMIM 610759.

Submission:

Labcorp Genetics (formerly Invitae), Labcorp
Classification: Uncertain significance for Cornelia de Lange syndrome 3. Last evaluated: 2016-08-15. Review status: criteria provided, single submitter. Criteria: Invitae Variant Classification Sherloc (09022015). Collection method: clinical testing. Allele origin: germline.
Comment: This variant is not present in population databases (ExAC no frequency) and has not been reported in the literature in individuals with a SMC3-related disease. This sequence change replaces phenylalanine with serine at codon 42 of the SMC3 protein (p.Phe42Ser). The phenylalanine residue is highly conserved and there is a large physicochemical difference between phenylalanine and serine. Algorithms developed to predict the effect of missense changes on protein structure and function do not agree on the potential impact of this missense change (SIFT: "Deleterious"; PolyPhen-2: "Probably Damaging"; Align-GVGD: "Class C0"). In summary, this variant is a novel missense change with uncertain impact on protein function. It has been classified as a Variant of Uncertain Significance.